The following is an entry in ClinVar:

NM_004637.6(RAB7A):c.351C>G (p.Asn117Lys)

Gene: RAB7A (RAB7A, member RAS oncogene family; plus strand). Cytogenetic location: 3q21.3.
Variant type: single nucleotide variant.
Coding change: c.351C>G on transcript NM_004637.6 (MANE Select); coding-DNA position 351, C replaced by G.
Protein change: p.Asn117Lys; replaces asparagine 117 with lysine.
Molecular consequence: missense variant.
Genome position (GRCh38, 1-based): chr3:128,806,542, C>G. VCF-style: chr3-128806542-C-G. GRCh37 (hg19) VCF-style: chr3-128525385-C-G.
Other names: short protein forms N117K.
Identifiers: ClinVar variation 2989252 (VCV002989252.3), dbSNP rs1933806674, ClinGen allele CA354708956.

ClinVar aggregate classification (germline): Uncertain significance (1 of 4 stars; one submission).

Conditions:
Charcot-Marie-Tooth disease type 2B (CMT2B). Also called: CHARCOT-MARIE-TOOTH DISEASE, AXONAL, TYPE 2B; CHARCOT-MARIE-TOOTH DISEASE, AUTOSOMAL DOMINANT, TYPE 2B; HEREDITARY MOTOR AND SENSORY NEUROPATHY IIB; Charcot-Marie-Tooth Neuropathy Type 2B. Identifiers: Orphanet 99936, MedGen C1833219, MONDO:0010949, OMIM 600882.

Submission:

Labcorp Genetics (formerly Invitae), Labcorp
Classification: Uncertain significance for Charcot-Marie-Tooth disease type 2B. Last evaluated: 2023-12-30. Review status: criteria provided, single submitter. Criteria: Invitae Variant Classification Sherloc (09022015). Collection method: clinical testing. Allele origin: germline.
Comment: This sequence change replaces asparagine, which is neutral and polar, with lysine, which is basic and polar, at codon 117 of the RAB7A protein (p.Asn117Lys). This variant is not present in population databases (gnomAD no frequency). This variant has not been reported in the literature in individuals affected with RAB7A-related conditions. An algorithm developed to predict the effect of missense changes on protein structure and function (PolyPhen-2) suggests that this variant is likely to be tolerated. In summary, the available evidence is currently insufficient to determine the role of this variant in disease. Therefore, it has been classified as a Variant of Uncertain Significance.